The following is an entry in ClinVar:

ClinVar aggregate classification (germline): Uncertain significance (1 of 4 stars; one submission).

Allele frequency attached by ClinVar (database versions not stated): gnomAD 0.00001; TOPMed 0.00002; gnomAD exomes 0.00003.
gnomAD v4.1: 47 of 1,510,766 alleles (0.0031%); highest among the groups gnomAD compares: Non-Finnish European, 0.0039%; no homozygotes.

Submission:

Labcorp Genetics (formerly Invitae), Labcorp
Classification: Uncertain significance. Last evaluated: 2022-07-12. Review status: criteria provided, single submitter. Criteria: Invitae Variant Classification Sherloc (09022015). Collection method: clinical testing. Allele origin: germline.
Comment: This sequence change replaces glycine, which is neutral and non-polar, with aspartic acid, which is acidic and polar, at codon 645 of the TMTC3 protein (p.Gly645Asp). This variant is present in population databases (no rsID available, gnomAD 0.003%). This variant has not been reported in the literature in individuals affected with TMTC3-related conditions. Algorithms developed to predict the effect of missense changes on protein structure and function are either unavailable or do not agree on the potential impact of this missense change (SIFT: "Deleterious"; PolyPhen-2: "Probably Damaging"; Align-GVGD: "Class C0"). In summary, the available evidence is currently insufficient to determine the role of this variant in disease. Therefore, it has been classified as a Variant of Uncertain Significance.

NM_181783.4(TMTC3):c.1934G>A (p.Gly645Asp)

Gene: TMTC3 (transmembrane O-mannosyltransferase targeting cadherins 3; plus strand). Cytogenetic location: 12q21.32.
Variant type: single nucleotide variant.
Coding change: c.1934G>A on transcript NM_181783.4 (MANE Select); coding-DNA position 1934, G replaced by A.
Protein change: p.Gly645Asp; replaces glycine 645 with aspartic acid.
Molecular consequence: missense variant. On other transcripts: non-coding transcript variant (1).
Genome position (GRCh38, 1-based): chr12:88,194,838, G>A. VCF-style: chr12-88194838-G-A. GRCh37 (hg19) VCF-style: chr12-88588615-G-A.
Other names: c.1754G>A, p.Gly585Asp (NM_001366574.1); c.1715G>A, p.Gly572Asp (NM_001366579.1); c.1667G>A, p.Gly556Asp (NM_001366580.1); c.1241G>A, p.Gly414Asp (NM_001366583.1); short protein forms G414D, G585D, G645D, G556D, G572D.
Identifiers: ClinVar variation 1897604 (VCV001897604.5), dbSNP rs1393191677, ClinGen allele CA386118474.